The following is an entry in ClinVar:

ClinVar aggregate classification (germline): Uncertain significance. Review status: criteria provided, multiple submitters, no conflicts (2 of 4 stars). 2 submissions from 2 submitters: Uncertain significance (2). Last evaluated 2026-08-03.

Conditions:
Inborn genetic diseases. Identifiers: MedGen C0950123, MeSH D030342.

Submissions (2):

Ambry Genetics
Classification: Uncertain significance for Inborn genetic diseases. Last evaluated: 2026-08-03. Review status: criteria provided, single submitter. Criteria: Ambry Variant Classification Scheme 2023. Collection method: clinical testing. Allele origin: germline.

Labcorp Genetics (formerly Invitae), Labcorp
Classification: Uncertain significance. Last evaluated: 2022-07-19. Review status: criteria provided, single submitter. Criteria: Invitae Variant Classification Sherloc (09022015). Collection method: clinical testing. Allele origin: germline.
Comment: This sequence change replaces aspartic acid, which is acidic and polar, with glycine, which is neutral and non-polar, at codon 296 of the COL2A1 protein (p.Asp296Gly). This variant is not present in population databases (gnomAD no frequency). This variant has not been reported in the literature in individuals affected with COL2A1-related conditions. ClinVar contains an entry for this variant (Variation ID: 1429228). Advanced modeling of protein sequence and biophysical properties (such as structural, functional, and spatial information, amino acid conservation, physicochemical variation, residue mobility, and thermodynamic stability) performed at Invitae indicates that this missense variant is not expected to disrupt COL2A1 protein function. In summary, the available evidence is currently insufficient to determine the role of this variant in disease. Therefore, it has been classified as a Variant of Uncertain Significance.

NM_001844.5(COL2A1):c.887A>G (p.Asp296Gly)

Gene: COL2A1 (collagen type II alpha 1 chain; minus strand). Cytogenetic location: 12q13.11.
Variant type: single nucleotide variant.
Coding change: c.887A>G on transcript NM_001844.5 (MANE Select); coding-DNA position 887, A replaced by G.
Protein change: p.Asp296Gly; replaces aspartic acid 296 with glycine.
Molecular consequence: missense variant.
Genome position (GRCh38, 1-based): chr12:47,993,846, T>C on the plus strand (A>G on the coding strand, the complement: COL2A1 is on the minus strand). VCF-style: chr12-47993846-T-C. GRCh37 (hg19) VCF-style: chr12-48387629-T-C.
Other names: c.680A>G, p.Asp227Gly (NM_033150.3); c.887A>G (NM_001844.4); short protein forms D227G, D296G.
Identifiers: ClinVar variation 1429228 (VCV001429228.7), dbSNP rs2136609666, ClinGen allele CA384521930.